The following is an entry in ClinVar:

ClinVar aggregate classification (germline): Uncertain significance. Review status: criteria provided, multiple submitters, no conflicts (2 of 4 stars). 2 submissions from 2 submitters: Uncertain significance (2). Last evaluated 2026-02-23.

Conditions:
Cardiovascular phenotype. Identifiers: MedGen CN230736.

Allele frequency attached by ClinVar (database versions not stated): ExAC 0.00006; 1000 Genomes Project 0.00020; 1000 Genomes Project 30x 0.00031.
gnomAD v4.1: 2 of 1,577,070 alleles (0.00013%); highest among the groups gnomAD compares: Admixed American, 0.0036%; no homozygotes.

Submissions (2):

GeneDx
Classification: Uncertain significance. Last evaluated: 2026-02-23. Review status: criteria provided, single submitter. Criteria: GeneDx Variant Classification Process June 2021. Collection method: clinical testing. Allele origin: germline.
Comment: Not observed at significant frequency in large population cohorts (gnomAD); Has not been previously published as pathogenic or benign to our knowledge; In silico analysis suggests this variant may impact gene splicing. In the absence of RNA/functional studies, the actual effect of this sequence change is unknown.

Ambry Genetics
Classification: Uncertain significance for Cardiovascular phenotype. Last evaluated: 2022-05-25. Review status: criteria provided, single submitter. Criteria: Ambry Variant Classification Scheme 2023. Collection method: clinical testing. Allele origin: germline.
Comment: The c.13363+5A>C intronic variant results from an A to C substitution 5 nucleotides after coding exon 46 in the TTN gene. This nucleotide position is well conserved in available vertebrate species. In silico splice site analysis for this alteration is inconclusive. Since supporting evidence is limited at this time, the clinical significance of this alteration remains unclear.

NM_001267550.2(TTN):c.40558+5A>C

Gene: TTN (titin; minus strand). Cytogenetic location: 2q31.2.
Variant type: single nucleotide variant.
Coding change: c.40558+5A>C on transcript NM_001267550.2 (MANE Select); 5 bases into the intron after coding-DNA position 40558, A replaced by C.
Molecular consequence: intron variant.
Genome position (GRCh38, 1-based): chr2:178,642,232, T>G on the plus strand (A>C on the coding strand, the complement: TTN is on the minus strand). VCF-style: chr2-178642232-T-G. GRCh37 (hg19) VCF-style: chr2-179506959-T-G.
Other names: c.13363+5A>C (NM_003319.4); c.13939+5A>C (NM_133437.4); c.13738+5A>C (NM_133432.3); c.32854+5A>C (NM_133378.4); c.35635+5A>C (NM_001256850.1).
Identifiers: ClinVar variation 1770239 (VCV001770239.3), dbSNP rs146283562, ClinGen allele CA1996461.